The following is an entry in ClinVar:

NM_000197.2(HSD17B3):c.383T>G (p.Leu128Ter)

Genes: SLC35D2-HSD17B3 (SLC35D2-HSD17B3 readthrough; minus strand), HSD17B3 (hydroxysteroid 17-beta dehydrogenase 3; minus strand). Cytogenetic location: 9q22.32.
Variant type: single nucleotide variant.
Coding change: c.383T>G on transcript NM_000197.2 (MANE Select); coding-DNA position 383, T replaced by G.
Protein change: p.Leu128Ter; replaces leucine 128 with a stop codon.
Molecular consequence: nonsense. On other transcripts: non-coding transcript variant (1).
Genome position (GRCh38, 1-based): chr9:96,252,805, A>C on the plus strand (T>G on the coding strand, the complement: HSD17B3 is on the minus strand). VCF-style: chr9-96252805-A-C. GRCh37 (hg19) VCF-style: chr9-99015087-A-C.
Other names: short protein forms L128*.
Identifiers: ClinVar variation 2884604 (VCV002884604.5), dbSNP rs767765046, ClinGen allele CA196624271.

ClinVar aggregate classification (germline): Pathogenic/Likely pathogenic. Review status: criteria provided, multiple submitters, no conflicts (2 of 4 stars). 2 submissions from 2 submitters: Pathogenic (1); Likely pathogenic (1). Last evaluated 2026-07-16.

Conditions:
HSD17B3-related disorder. Also called: HSD17B3-related condition.

Allele frequency attached by ClinVar (database versions not stated): gnomAD 0.00003.
gnomAD v4.1: 73 of 1,574,776 alleles (0.0046%); highest among the groups gnomAD compares: Non-Finnish European, 0.0062%; no homozygotes.

Submissions (2):

PreventionGenetics, part of Exact Sciences
Classification: Likely pathogenic for HSD17B3-related condition. Last evaluated: 2026-07-16. Review status: criteria provided, single submitter. Criteria: ACMG Guidelines, 2015. Collection method: clinical testing. Allele origin: germline.
Comment: The HSD17B3 c.383T>G variant is predicted to result in premature protein termination (p.Leu128*). To our knowledge, this variant has not been reported in the literature. This variant is present in 0.0018% of alleles in individuals of European (Non-Finnish) descent in gnomAD. Nonsense variants in HSD17B3 are an established mechanism of disease. This variant is interpreted as likely pathogenic.

Labcorp Genetics (formerly Invitae), Labcorp
Classification: Pathogenic. Last evaluated: 2025-06-10. Review status: criteria provided, single submitter. Criteria: Invitae Variant Classification Sherloc (09022015). Collection method: clinical testing. Allele origin: germline.
Comment: This sequence change creates a premature translational stop signal (p.Leu128*) in the HSD17B3 gene. It is expected to result in an absent or disrupted protein product. Loss-of-function variants in HSD17B3 are known to be pathogenic (PMID: 23796702, 25740850). This variant is present in population databases (rs767765046, gnomAD 0.0009%). This variant has not been reported in the literature in individuals affected with HSD17B3-related conditions. ClinVar contains an entry for this variant (Variation ID: 2884604). For these reasons, this variant has been classified as Pathogenic.

Literature cited by the submitters: PubMed 23796702 (cited by Labcorp Genetics (formerly Invitae), Labcorp); PubMed 25740850 (cited by Labcorp Genetics (formerly Invitae), Labcorp).